The following is an entry in ClinVar:

NM_004006.3(DMD):c.2623-3C>T

Gene: DMD (dystrophin; minus strand). Cytogenetic location: Xp21.1.
Variant type: single nucleotide variant.
Coding change: c.2623-3C>T on transcript NM_004006.3 (MANE Select); 3 bases into the intron before coding-DNA position 2623, C replaced by T.
Molecular consequence: intron variant.
Genome position (GRCh38, 1-based): chrX:32,485,102, G>A on the plus strand (C>T on the coding strand, the complement: DMD is on the minus strand). VCF-style: chrX-32485102-G-A. GRCh37 (hg19) VCF-style: chrX-32503219-G-A.
Other names: c.2599-3C>T (NM_000109.4); c.2611-3C>T (NM_004009.3); c.2254-3C>T (NM_004010.3).
Identifiers: ClinVar variation 2031426 (VCV002031426.4), dbSNP rs863224988, ClinGen allele CA641364262.
Genomic context (GRCh38, chrX:32,485,102, plus strand): 5'-TTTGAATTTTTAATCGTTCAATTTGAGGTTGAAGATCTGATAGCCGGTTGACTTCATCCT[G>A]TGCCATAGAGTATGGAAAGTAAGTAACACGTTTACTTTGCATACATTACATTTTGCAAAA-3'

ClinVar aggregate classification (germline): Uncertain significance (1 of 4 stars; one submission).

Conditions:
Duchenne muscular dystrophy (DMD). Also called: MUSCULAR DYSTROPHY, PSEUDOHYPERTROPHIC PROGRESSIVE, DUCHENNE TYPE; Duchenne Muscular Dystrophy (DMD). Identifiers: Orphanet 98896, MedGen C0013264, MONDO:0010679, OMIM 310200.

Allele frequency attached by ClinVar (database versions not stated): gnomAD exomes below 0.00001.
gnomAD v4.1: 5 of 1,204,466 alleles (0.00042%); highest among the groups gnomAD compares: South Asian, 0.0035%; no homozygotes.

Submission:

Labcorp Genetics (formerly Invitae), Labcorp
Classification: Uncertain significance for Duchenne muscular dystrophy. Last evaluated: 2022-10-10. Review status: criteria provided, single submitter. Criteria: Invitae Variant Classification Sherloc (09022015). Collection method: clinical testing. Allele origin: germline.
Comment: This variant has not been reported in the literature in individuals affected with DMD-related conditions. In summary, the available evidence is currently insufficient to determine the role of this variant in disease. Therefore, it has been classified as a Variant of Uncertain Significance. Variants that disrupt the consensus splice site are a relatively common cause of aberrant splicing (PMID: 17576681, 9536098). Algorithms developed to predict the effect of sequence changes on RNA splicing suggest that this variant is not likely to affect RNA splicing. This variant is present in population databases (no rsID available, gnomAD 0.008%). This sequence change falls in intron 20 of the DMD gene. It does not directly change the encoded amino acid sequence of the DMD protein. It affects a nucleotide within the consensus splice site.

Literature cited by the submitters: PubMed 17576681; PubMed 9536098.